The following is an entry in ClinVar:

NM_007294.4(BRCA1):c.4358-1132A>T

Gene: BRCA1 (BRCA1 DNA repair associated; minus strand). Cytogenetic location: 17q21.31.
Variant type: single nucleotide variant.
Coding change: c.4358-1132A>T on transcript NM_007294.4 (MANE Select); 1132 bases into the intron before coding-DNA position 4358, A replaced by T.
Molecular consequence: intron variant.
Genome position (GRCh38, 1-based): chr17:43,077,746, T>A on the plus strand (A>T on the coding strand, the complement: BRCA1 is on the minus strand). VCF-style: chr17-43077746-T-A. GRCh37 (hg19) VCF-style: chr17-41229763-T-A.
Other names: c.1040-1132A>T (NM_001408406.1, NM_001408408.1); c.4355-1135A>T (NM_001407641.1, NM_001407636.1, NM_001407639.1 and 8 more transcripts); c.4355-1132A>T (NM_001407624.1, NM_001407612.1, NM_001407615.1 and 7 more transcripts); c.4358-1135A>T (NM_001407858.1, NM_001407616.1, NM_001407859.1 and 7 more transcripts); c.4424-1135A>T (NM_007300.4, NM_001407583.1, NM_001407585.1); c.4424-1132A>T (NM_001407581.1, NM_001407582.1); c.3851-1132A>T (NM_001407965.1); c.4091-1132A>T (NM_001407930.1, NM_001407933.1, NM_001407931.1 and 1 more transcripts); and 98 more.
Identifiers: ClinVar variation 264793 (VCV000264793.2), dbSNP rs8176204, ClinGen allele CA10588211.
Genomic context (GRCh38, chr17:43,077,746, plus strand): 5'-GCCTTCTAGGAAGTGGCTTAAAGGCAGAAGTACTTATTTATTTATTTTTATTTATTTATT[T>A]TTTTTGAGATGGAGTTTGCTCTTGTTGCCCAGGCTGCAGTGCAATGGCATGATCTTGGCT-3'

ClinVar aggregate classification (germline): Benign (3 of 4 stars; one submission).

Conditions:
Breast-ovarian cancer, familial, susceptibility to, 1 (BROVCA1). Also called: BRCA1 Hereditary Breast and Ovarian Cancer; OVARIAN CANCER, SUSCEPTIBILITY TO. Identifiers: Orphanet 145, MedGen C2676676, MONDO:0011450, OMIM 604370. Disease mechanism: loss of function.

Allele frequency attached by ClinVar (database versions not stated): 1000 Genomes Project 30x 0.35009; 1000 Genomes Project 0.35423; gnomAD 0.52065 and 0.52593.
gnomAD v4.1: 47,947 of 91,180 alleles (53%); highest among the groups gnomAD compares: South Asian, 65%; 7,893 homozygotes.

Submission:

Evidence-based Network for the Interpretation of Germline Mutant Alleles (ENIGMA)
Classification: Benign for Breast-ovarian cancer, familial, susceptibility to, 1. Last evaluated: 2016-09-28. Review status: reviewed by expert panel. Criteria: ENIGMA BRCA1/2 Classification Criteria (2015). Collection method: curation. Allele origin: germline.
Comment: Class 1 not pathogenic based on frequency >1% in an outbred sampleset. Frequency 0.3598 (European), 0.2201 (African), 0.3746 (Admixed American/Latino), 0.371 (East Asian), 0.498 (South Asian), derived from 1000 genomes (2013-05-02).